The following is an entry in ClinVar:

ClinVar aggregate classification (germline): Uncertain significance. Review status: criteria provided, single submitter (1 of 4 stars). 2 submissions from 2 submitters: Uncertain significance (1). 1 of the submissions does not count toward it. Last evaluated 2022-07-12.

Conditions:
ACADSB-related disorder. Also called: ACADSB-related condition.
Deficiency of 2-methylbutyryl-CoA dehydrogenase (ACADSB). Also called: 2-methylbutyrylglycinuria; 2-methylbutyryl-CoA dehydrogenase deficiency; SBCAD deficiency; 2-methylbutyric aciduria; Short branched-chain acyl-CoA dehydrogenase deficiency. Identifiers: Orphanet 79157, MedGen C1864912, MONDO:0012392, OMIM 610006, HP:0020147.

Allele frequency attached by ClinVar (database versions not stated): ExAC 0.00014; ESP Exome Variant Server 0.00015; 1000 Genomes Project 30x 0.00031; 1000 Genomes Project 0.00040; TOPMed 0.00041; gnomAD 0.00048 and 0.00053.
gnomAD v4.1: 133 of 1,613,920 alleles (0.0082%); highest among the groups gnomAD compares: African/African-American, 0.15%; no homozygotes.

Submissions (2):

Labcorp Genetics (formerly Invitae), Labcorp
Classification: Uncertain significance for Deficiency of 2-methylbutyryl-CoA dehydrogenase. Last evaluated: 2022-07-12. Review status: criteria provided, single submitter. Criteria: Invitae Variant Classification Sherloc (09022015). Collection method: clinical testing. Allele origin: germline.
Comment: In summary, the available evidence is currently insufficient to determine the role of this variant in disease. Therefore, it has been classified as a Variant of Uncertain Significance. Algorithms developed to predict the effect of missense changes on protein structure and function (SIFT, PolyPhen-2, Align-GVGD) all suggest that this variant is likely to be tolerated. ClinVar contains an entry for this variant (Variation ID: 654197). This variant has not been reported in the literature in individuals affected with ACADSB-related conditions. This variant is present in population databases (rs149562178, gnomAD 0.2%). This sequence change replaces leucine, which is neutral and non-polar, with valine, which is neutral and non-polar, at codon 23 of the ACADSB protein (p.Leu23Val).

PreventionGenetics, part of Exact Sciences
Classification: Likely benign for ACADSB-related condition. Last evaluated: 2022-02-28. Review status: no assertion criteria provided. Collection method: clinical testing. Allele origin: germline. Not counted in ClinVar's aggregate classification.
Comment: This variant is classified as likely benign based on ACMG/AMP sequence variant interpretation guidelines (Richards et al. 2015 PMID: 25741868, with internal and published modifications).

NM_001609.4(ACADSB):c.67T>G (p.Leu23Val)

Gene: ACADSB (acyl-CoA dehydrogenase short/branched chain; plus strand). Cytogenetic location: 10q26.13.
Variant type: single nucleotide variant.
Coding change: c.67T>G on transcript NM_001609.4 (MANE Select); coding-DNA position 67, T replaced by G.
Protein change: p.Leu23Val; replaces leucine 23 with valine.
Molecular consequence: missense variant. On other transcripts: 5 prime UTR variant (1).
Genome position (GRCh38, 1-based): chr10:123,034,380, T>G. VCF-style: chr10-123034380-T-G. GRCh37 (hg19) VCF-style: chr10-124793896-T-G.
Other names: c.-139T>G (NM_001330174.3); short protein forms L23V.
Identifiers: ClinVar variation 654197 (VCV000654197.9), dbSNP rs149562178, ClinGen allele CA5730612.